The following is an entry in ClinVar:

NM_017950.4(CCDC40):c.3344G>A (p.Arg1115Gln)

Gene: CCDC40 (coiled-coil domain 40 molecular ruler complex subunit; plus strand). Cytogenetic location: 17q25.3.
Variant type: single nucleotide variant.
Coding change: c.3344G>A on transcript NM_017950.4 (MANE Select); coding-DNA position 3344, G replaced by A.
Protein change: p.Arg1115Gln; replaces arginine 1115 with glutamine.
Molecular consequence: missense variant.
Genome position (GRCh38, 1-based): chr17:80,099,690, G>A. VCF-style: chr17-80099690-G-A. GRCh37 (hg19) VCF-style: chr17-78073489-G-A.
Other names: short protein forms R1115Q.
Identifiers: ClinVar variation 665453 (VCV000665453.8), dbSNP rs771414681, ClinGen allele CA294882515.

ClinVar aggregate classification (germline): Conflicting classifications of pathogenicity. Review status: criteria provided, conflicting classifications (1 of 4 stars). 3 submissions from 3 submitters: Uncertain significance (1); Likely benign (2). Last evaluated 2024-10-08.

Conditions:
Primary ciliary dyskinesia. Also called: Ciliary dyskinesia. Identifiers: Orphanet 244, MedGen C0008780, MONDO:0016575, HP:0012265.

Allele frequency attached by ClinVar (database versions not stated): gnomAD 0.00003 and 0.00004; gnomAD exomes 0.00003; TOPMed 0.00005.
gnomAD v4.1: 28 of 1,613,744 alleles (0.0017%); highest among the groups gnomAD compares: Admixed American, 0.017%; no homozygotes.

Submissions (3):

Blueprint Genetics
Classification: Likely benign. Last evaluated: 2024-10-08. Review status: criteria provided, single submitter. Criteria: ACMG Guidelines, 2015. Collection method: clinical testing. Allele origin: germline.

Ambry Genetics
Classification: Likely benign for Primary ciliary dyskinesia. Last evaluated: 2022-07-12. Review status: criteria provided, single submitter. Criteria: Ambry Variant Classification Scheme 2023. Collection method: clinical testing. Allele origin: germline.

Labcorp Genetics (formerly Invitae), Labcorp
Classification: Uncertain significance for Primary ciliary dyskinesia. Last evaluated: 2022-05-24. Review status: criteria provided, single submitter. Criteria: Invitae Variant Classification Sherloc (09022015). Collection method: clinical testing. Allele origin: germline.
Comment: This sequence change replaces arginine, which is basic and polar, with glutamine, which is neutral and polar, at codon 1115 of the CCDC40 protein (p.Arg1115Gln). This variant is present in population databases (rs771414681, gnomAD 0.01%). This variant has not been reported in the literature in individuals affected with CCDC40-related conditions. ClinVar contains an entry for this variant (Variation ID: 665453). Algorithms developed to predict the effect of missense changes on protein structure and function output the following: SIFT: "Tolerated"; PolyPhen-2: "Benign"; Align-GVGD: "Class C0". The glutamine amino acid residue is found in multiple mammalian species, which suggests that this missense change does not adversely affect protein function. Algorithms developed to predict the effect of sequence changes on RNA splicing suggest that this variant may create or strengthen a splice site. In summary, the available evidence is currently insufficient to determine the role of this variant in disease. Therefore, it has been classified as a Variant of Uncertain Significance.